The following is an entry in ClinVar:

ClinVar aggregate classification (germline): Uncertain significance. Review status: criteria provided, multiple submitters, no conflicts (2 of 4 stars). 2 submissions from 2 submitters: Uncertain significance (2). Last evaluated 2026-01-14.

Conditions:
Hereditary cancer-predisposing syndrome. Also called: Hereditary neoplastic syndrome; Tumor predisposition; Neoplastic Syndromes, Hereditary; Hereditary Cancer Syndrome. Identifiers: Orphanet 140162, MedGen C0027672, MeSH D009386, MONDO:0015356.
Familial meningioma. Also called: Meningioma, familial, susceptibility to. Identifiers: Orphanet 263662, MedGen C3551915, MONDO:0011789, OMIM 607174.

Allele frequency attached by ClinVar (database versions not stated): gnomAD exomes below 0.00001; ExAC 0.00002.

Submissions (2):

Labcorp Genetics (formerly Invitae), Labcorp
Classification: Uncertain significance for Familial meningioma. Last evaluated: 2026-01-14. Review status: criteria provided, single submitter. Criteria: Invitae Variant Classification Sherloc (09022015). Collection method: clinical testing. Allele origin: germline.
Comment: This sequence change replaces arginine, which is basic and polar, with histidine, which is basic and polar, at codon 201 of the SMARCE1 protein (p.Arg201His). This variant is present in population databases (rs761299232, gnomAD 0.0009%). This variant has not been reported in the literature in individuals affected with SMARCE1-related conditions. ClinVar contains an entry for this variant (Variation ID: 956753). Invitae Evidence Modeling of protein sequence and biophysical properties (such as structural, functional, and spatial information, amino acid conservation, physicochemical variation, residue mobility, and thermodynamic stability) indicates that this missense variant is expected to disrupt SMARCE1 protein function with a positive predictive value of 80%. In summary, the available evidence is currently insufficient to determine the role of this variant in disease. Therefore, it has been classified as a Variant of Uncertain Significance.

Ambry Genetics
Classification: Uncertain significance for Hereditary cancer-predisposing syndrome. Last evaluated: 2024-03-13. Review status: criteria provided, single submitter. Criteria: Ambry Variant Classification Scheme 2023. Collection method: clinical testing. Allele origin: germline.
Comment: The p.R201H variant (also known as c.602G>A), located in coding exon 7 of the SMARCE1 gene, results from a G to A substitution at nucleotide position 602. The arginine at codon 201 is replaced by histidine, an amino acid with highly similar properties. This amino acid position is highly conserved in available vertebrate species. In addition, the in silico prediction for this alteration is inconclusive. Based on the available evidence, the clinical significance of this alteration remains unclear.

NM_003079.5(SMARCE1):c.602G>A (p.Arg201His)

Gene: SMARCE1 (SWI/SNF related BAF chromatin remodeling complex subunit E1; minus strand). Cytogenetic location: 17q21.2.
Variant type: single nucleotide variant.
Coding change: c.602G>A on transcript NM_003079.5 (MANE Select); coding-DNA position 602, G replaced by A.
Protein change: p.Arg201His; replaces arginine 201 with histidine.
Molecular consequence: missense variant.
Genome position (GRCh38, 1-based): chr17:40,632,307, C>T on the plus strand (G>A on the coding strand, the complement: SMARCE1 is on the minus strand). VCF-style: chr17-40632307-C-T. GRCh37 (hg19) VCF-style: chr17-38788559-C-T.
Other names: short protein forms R201H.
Identifiers: ClinVar variation 956753 (VCV000956753.10), dbSNP rs761299232, ClinGen allele CA8545207.